The following is an entry in ClinVar:

ClinVar aggregate classification (germline): Uncertain significance (1 of 4 stars; one submission).

gnomAD v4.1: 1 of 1,614,242 alleles (0.000062%); highest among the groups gnomAD compares: Admixed American, 0.0017%; no homozygotes.

Submission:

Ambry Genetics
Classification: Uncertain significance. Last evaluated: 2025-03-25. Review status: criteria provided, single submitter. Criteria: Ambry Variant Classification Scheme 2023. Collection method: clinical testing. Allele origin: germline.
Comment: The p.Q508H variant (also known as c.1524A>C), located in coding exon 4 of the TMPO gene, results from an A to C substitution at nucleotide position 1524. The glutamine at codon 508 is replaced by histidine, an amino acid with highly similar properties. This amino acid position is conserved. In addition, this alteration is predicted to be tolerated by in silico analysis. Based on the available evidence, the clinical significance of this variant remains unclear.

NM_001032283.3(TMPO):c.565+1943A>C

Gene: TMPO (thymopoietin; plus strand). Cytogenetic location: 12q23.1.
Variant type: single nucleotide variant.
Coding change: c.565+1943A>C on transcript NM_001032283.3 (MANE Select); 1943 bases into the intron after coding-DNA position 565, A replaced by C.
Molecular consequence: intron variant. On other transcripts: missense variant (1).
Genome position (GRCh38, 1-based): chr12:98,533,781, A>C. VCF-style: chr12-98533781-A-C. GRCh37 (hg19) VCF-style: chr12-98927559-A-C.
Other names: c.1524A>C, p.Gln508His (NM_003276.2); c.565+1943A>C (NM_001307975.2, NM_001032284.3); short protein forms Q508H.
Identifiers: ClinVar variation 3970991 (VCV003970991.1).